The following is an entry in ClinVar:

NM_001370259.2(MEN1):c.1102G>C (p.Ala368Pro)

Gene: MEN1 (menin 1; minus strand). Cytogenetic location: 11q13.1.
Variant type: single nucleotide variant.
Coding change: c.1102G>C on transcript NM_001370259.2 (MANE Select); coding-DNA position 1102, G replaced by C.
Protein change: p.Ala368Pro; replaces alanine 368 with proline.
Molecular consequence: missense variant.
Genome position (GRCh38, 1-based): chr11:64,805,718, C>G on the plus strand (G>C on the coding strand, the complement: MEN1 is on the minus strand). VCF-style: chr11-64805718-C-G. GRCh37 (hg19) VCF-style: chr11-64573190-C-G.
Other names: c.1117G>C, p.Ala373Pro (NM_000244.4, NM_130800.3, NM_130801.3 and 3 more transcripts); c.1228G>C, p.Ala410Pro (NM_001370251.2); c.1102G>C, p.Ala368Pro (NM_001370260.2, NM_001370261.2, NM_130799.3); c.997G>C, p.Ala333Pro (NM_001370262.2, NM_001370263.2); short protein forms A368P, A373P, A333P, A410P.
Identifiers: ClinVar variation 428071 (VCV000428071.6), dbSNP rs1114167473, ClinGen allele CA381182620.

ClinVar aggregate classification (germline): Likely pathogenic (1 of 4 stars; one submission).

Conditions:
Hereditary cancer-predisposing syndrome. Also called: Hereditary Cancer Syndrome; Neoplastic Syndromes, Hereditary; Hereditary neoplastic syndrome; Tumor predisposition. Identifiers: Orphanet 140162, MedGen C0027672, MeSH D009386, MONDO:0015356.

Submission:

Ambry Genetics
Classification: Likely pathogenic for Hereditary cancer-predisposing syndrome. Last evaluated: 2015-11-05. Review status: criteria provided, single submitter. Criteria: Ambry Variant Classification Scheme 2023. Collection method: clinical testing. Allele origin: germline.
Comment: The p.A368P variant (also known as c.1102G>C), located in coding exon 7 of the MEN1 gene, results from a G to C substitution at nucleotide position 1102. The alanine at codon 368 is replaced by proline, an amino acid with highly similar properties. A MEN1 alteration at the same codon, p.A368D, has been reported in an individual with MEN1 (Giraud S, et al. Am. J. Hum. Genet. 1998 Aug; 63(2):455-67). This variant was not reported in population based cohorts in the following databases: Database of Single Nucleotide Polymorphisms (dbSNP), NHLBI Exome Sequencing Project (ESP), and 1000 Genomes Project. In the ESP, this variant was not observed in 6498 samples (12996 alleles) with coverage at this position. To date, this alteration has been detected with an allele frequency of approximately 0.01% (greater than 7000 alleles tested) in our clinical cohort. This amino acid position is highly conserved in available vertebrate species. In addition, this alteration is predicted to be deleterious by in silico analysis. Based on the majority of available evidence to date, this variant is likely to be pathogenic.

Literature cited by the submitters: PubMed 9683585.